The following is an entry in ClinVar:

NM_021167.5(GATAD1):c.79G>A (p.Glu27Lys)

Genes: GATAD1 (GATA zinc finger domain containing 1; plus strand), LOC129998793 (ATAC-STARR-seq lymphoblastoid silent region 18371; plus strand). Cytogenetic location: 7q21.2.
Variant type: single nucleotide variant.
Coding change: c.79G>A on transcript NM_021167.5 (MANE Select); coding-DNA position 79, G replaced by A.
Protein change: p.Glu27Lys; replaces glutamic acid 27 with lysine.
Molecular consequence: missense variant. On other transcripts: non-coding transcript variant (1).
Genome position (GRCh38, 1-based): chr7:92,447,808, G>A. VCF-style: chr7-92447808-G-A. GRCh37 (hg19) VCF-style: chr7-92077122-G-A.
Other names: short protein forms E27K.
Identifiers: ClinVar variation 2448826 (VCV002448826.3), dbSNP rs974082341, ClinGen allele CA161960702.

ClinVar aggregate classification (germline): Uncertain significance (1 of 4 stars; one submission).

Conditions:
Cardiovascular phenotype. Identifiers: MedGen CN230736.

Allele frequency attached by ClinVar (database versions not stated): TOPMed 0.00002; gnomAD exomes below 0.00001; gnomAD 0.00001.
gnomAD v4.1: 5 of 1,491,234 alleles (0.00034%); highest among the groups gnomAD compares: African/African-American, 0.0044%; no homozygotes.

Submission:

Ambry Genetics
Classification: Uncertain significance for Cardiovascular phenotype. Last evaluated: 2025-12-02. Review status: criteria provided, single submitter. Criteria: Ambry Variant Classification Scheme 2023. Collection method: clinical testing. Allele origin: germline.
Comment: The p.E27K variant (also known as c.79G>A), located in coding exon 1 of the GATAD1 gene, results from a G to A substitution at nucleotide position 79. The glutamic acid at codon 27 is replaced by lysine, an amino acid with similar properties. This amino acid position is conserved. In addition, this alteration is predicted to be deleterious by in silico analysis. Since supporting evidence is limited at this time, the clinical significance of this alteration remains unclear.